The following is an entry in ClinVar:

NM_020297.4(ABCC9):c.3400G>A (p.Val1134Met)

Gene: ABCC9 (ATP binding cassette subfamily C member 9; minus strand). Cytogenetic location: 12p12.1.
Variant type: single nucleotide variant.
Coding change: c.3400G>A on transcript NM_020297.4 (MANE Select); coding-DNA position 3400, G replaced by A.
Protein change: p.Val1134Met; replaces valine 1134 with methionine.
Molecular consequence: missense variant.
Genome position (GRCh38, 1-based): chr12:21,842,387, C>T on the plus strand (G>A on the coding strand, the complement: ABCC9 is on the minus strand). VCF-style: chr12-21842387-C-T. GRCh37 (hg19) VCF-style: chr12-21995321-C-T.
Other names: c.3400G>A, p.Val1134Met (NM_001377273.1, NM_005691.4); c.2533G>A, p.Val845Met (NM_001377274.1); short protein forms V1134M, V845M.
Identifiers: ClinVar variation 955435 (VCV000955435.9), dbSNP rs1944437109, ClinGen allele CA384140890.

ClinVar aggregate classification (germline): Uncertain significance (1 of 4 stars; one submission).

Conditions:
Dilated cardiomyopathy 1O (CMD1O). Also called: CARDIOMYOPATHY, DILATED, WITH VENTRICULAR TACHYCARDIA. Identifiers: Orphanet 154, MedGen C1837839, MONDO:0012062, OMIM 608569.

Allele frequency attached by ClinVar (database versions not stated): TOPMed below 0.00001.

Submission:

Labcorp Genetics (formerly Invitae), Labcorp
Classification: Uncertain significance for Dilated cardiomyopathy 1O. Last evaluated: 2025-08-22. Review status: criteria provided, single submitter. Criteria: Invitae Variant Classification Sherloc (09022015). Collection method: clinical testing. Allele origin: germline.
Comment: This sequence change replaces valine, which is neutral and non-polar, with methionine, which is neutral and non-polar, at codon 1134 of the ABCC9 protein (p.Val1134Met). This variant is not present in population databases (gnomAD no frequency). This variant has not been reported in the literature in individuals affected with ABCC9-related conditions. ClinVar contains an entry for this variant (Variation ID: 955435). Invitae Evidence Modeling of protein sequence and biophysical properties (such as structural, functional, and spatial information, amino acid conservation, physicochemical variation, residue mobility, and thermodynamic stability) indicates that this missense variant is not expected to disrupt ABCC9 protein function with a negative predictive value of 80%. In summary, the available evidence is currently insufficient to determine the role of this variant in disease. Therefore, it has been classified as a Variant of Uncertain Significance.